The following is an entry in ClinVar:

NM_003749.3(IRS2):c.2081CCG[9] (p.Ala701dup)

Gene: IRS2 (insulin receptor substrate 2; minus strand). Cytogenetic location: 13q34.
Variant type: Microsatellite.
Coding change: c.2081CCG[9] on transcript NM_003749.3 (MANE Select); nine copies in a row of the 3-base unit CCG starting at c.2081; the reference has eight copies in a row; one copy, 3 bases duplicated.
Protein change: p.Ala701dup; duplicates alanine 701.
Molecular consequence: inframe insertion.
Genome position (GRCh38, 1-based): chr13:109,783,950-109,783,952, CGG duplicated on the plus strand (CCG on the coding strand, the reverse complement: IRS2 is on the minus strand); duplicating any 3 consecutive bases within chr13:109,783,950-109,783,974 gives the same sequence; the position shown is the placement nearest the transcript's 3' end. VCF-style (leftmost placement, unchanged base first): chr13-109783949-A-ACGG. GRCh37 (hg19) VCF-style: chr13-110436296-A-ACGG.
Identifiers: ClinVar variation 1284991 (VCV001284991.20), dbSNP rs34412495, ClinGen allele CA7046426.
Genomic context (GRCh38, chr13:109,783,949, plus strand): 5'-GCCGGGAATGTCCTGCCCGCCGCAGAGGTGGGTGCTGGCCCCGCAGGCCCCGCAGAAGGC[A>ACGG]CGGCGGCGGCGGCGGCGGCGGCGGCCCTGGGCTGCAAGATCTGCTTGGGGGCGGACACGC-3'

ClinVar aggregate classification (germline): Likely benign. Review status: criteria provided, single submitter (1 of 4 stars). 3 submissions from 3 submitters: Likely benign (1). 2 of the submissions do not count toward it. Last evaluated 2025-03-01.

Submissions (3):

CeGaT Center for Human Genetics Tuebingen
Classification: Likely benign. Last evaluated: 2025-03-01. Review status: criteria provided, single submitter. Criteria: CeGaT Center For Human Genetics Tuebingen Variant Classification Criteria Version 2. Collection method: clinical testing. Allele origin: germline. Affected: yes. Observed: 2 variant alleles.
Comment: IRS2: BS2

Clinical Genetics DNA and cytogenetics Diagnostics Lab, Erasmus MC, Erasmus Medical Center
Classification: Likely benign. Review status: no assertion criteria provided. Collection method: clinical testing. Allele origin: germline. Affected: yes. Study: VKGL Data-share Consensus. Not counted in ClinVar's aggregate classification.

Genome Diagnostics Laboratory, University Medical Center Utrecht
Classification: Likely benign. Review status: no assertion criteria provided. Collection method: clinical testing. Allele origin: germline. Affected: yes. Study: VKGL Data-share Consensus. Not counted in ClinVar's aggregate classification.